The following is an entry in ClinVar:

NM_000038.6(APC):c.5083_5099del (p.Arg1695fs)

Gene: APC (APC regulator of Wnt signaling pathway; plus strand). Cytogenetic location: 5q22.2.
Variant type: Deletion.
Coding change: c.5083_5099del on transcript NM_000038.6 (MANE Select); coding-DNA positions 5083 to 5099, 17 bases deleted (AGAAGTACAGATGAGGC).
Protein change: p.Arg1695fs; shifts the reading frame from arginine 1695.
Molecular consequence: frameshift variant. On other transcripts: non-coding transcript variant (2).
Genome position (GRCh38, 1-based): chr5:112,840,677-112,840,693, AGAAGTACAGATGAGGC deleted; deleting any 17 consecutive bases within chr5:112,840,673-112,840,693 gives the same sequence; the c. name uses the placement nearest the transcript's 3' end. VCF-style (leftmost placement, unchanged base first): chr5-112840672-AAGGCAGAAGTACAGATG-A. GRCh37 (hg19) VCF-style: chr5-112176369-AAGGCAGAAGTACAGATG-A.
Other names: c.5083_5099del, p.Arg1695fs (NM_001127510.3, NM_001354895.2, NM_001407450.1); c.5029_5045del, p.Arg1677fs (NM_001127511.3); c.5137_5153del, p.Arg1713fs (NM_001354896.2, NM_001407447.1, NM_001407448.1 and 1 more transcripts); c.5113_5129del, p.Arg1705fs (NM_001354897.2); c.5008_5024del, p.Arg1670fs (NM_001354898.2); c.4999_5015del, p.Arg1667fs (NM_001354899.2); c.4960_4976del, p.Arg1654fs (NM_001354900.2); c.4906_4922del, p.Arg1636fs (NM_001354901.2, NM_001407453.1); and 11 more; short protein forms R1311fs, R1412fs, R1535fs, R1566fs, R1569fs, R1594fs, R1604fs, R1612fs.
Identifiers: ClinVar variation 3230626 (VCV003230626.1), dbSNP rs2533619254, ClinGen allele CA2825001375.

ClinVar aggregate classification (germline): Pathogenic (1 of 4 stars; one submission).

Conditions:
Hereditary cancer-predisposing syndrome. Also called: Neoplastic Syndromes, Hereditary; Tumor predisposition; Hereditary neoplastic syndrome; Hereditary Cancer Syndrome. Identifiers: Orphanet 140162, MedGen C0027672, MeSH D009386, MONDO:0015356.

Submission:

Ambry Genetics
Classification: Pathogenic for Hereditary cancer-predisposing syndrome. Last evaluated: 2024-01-08. Review status: criteria provided, single submitter. Criteria: Ambry Variant Classification Scheme 2023. Collection method: clinical testing. Allele origin: germline.
Comment: The c.5083_5099del17 pathogenic mutation, located in coding exon 15 of the APC gene, results from a deletion of 17 nucleotides at nucleotide positions 5083 to 5099, causing a translational frameshift with a predicted alternate stop codon (p.R1695Sfs*12). This alteration has been observed in at least one individual with a personal and/or family history that is consistent with APC-related disease (Ambry internal data). This variant is considered to be rare based on population cohorts in the Genome Aggregation Database (gnomAD). This alteration occurs at the 3' terminus of the APC gene, is not expected to trigger nonsense-mediated mRNA decay, and only impacts the last 1149 amino acids of the protein. However, premature stop codons are typically deleterious in nature, the impacted region is critical for protein function, and a significant portion of the protein is affected (Ambry internal data). Based on the supporting evidence, this alteration is interpreted as a disease-causing mutation.